The following is an entry in ClinVar:

NM_199355.4(ADAMTS18):c.3280C>T (p.Arg1094Ter)

Gene: ADAMTS18 (ADAM metallopeptidase with thrombospondin type 1 motif 18; minus strand). Cytogenetic location: 16q23.1.
Variant type: single nucleotide variant.
Coding change: c.3280C>T on transcript NM_199355.4 (MANE Select); coding-DNA position 3280, C replaced by T.
Protein change: p.Arg1094Ter; replaces arginine 1094 with a stop codon.
Molecular consequence: nonsense.
Genome position (GRCh38, 1-based): chr16:77,291,388, G>A on the plus strand (C>T on the coding strand, the complement: ADAMTS18 is on the minus strand). VCF-style: chr16-77291388-G-A. GRCh37 (hg19) VCF-style: chr16-77325285-G-A.
Other names: c.2764C>T, p.Arg922Ter (NM_001326358.2); short protein forms R922*, R1094*.
Identifiers: ClinVar variation 2143485 (VCV002143485.7), dbSNP rs775431905, ClinGen allele CA8180518.

ClinVar aggregate classification (germline): Pathogenic/Likely pathogenic. Review status: criteria provided, multiple submitters, no conflicts (2 of 4 stars). 3 submissions from 3 submitters: Pathogenic (1); Likely pathogenic (2). Last evaluated 2023-08-16.

Conditions:
Microcornea-myopic chorioretinal atrophy. Also called: Microcornea, myopic chorioretinal atrophy, and telecanthus. Identifiers: Orphanet 369970, MedGen C3809567, MONDO:0014195, OMIM 615458.
ADAMTS18-related disorder. Also called: ADAMTS18-related condition.

Allele frequency attached by ClinVar (database versions not stated): TOPMed 0.00001.
gnomAD v4.1: 17 of 1,614,052 alleles (0.0011%); highest among the groups gnomAD compares: Admixed American, 0.0017%; no homozygotes.

Submissions (3):

Blueprint Genetics
Classification: Likely pathogenic for ADAMTS18-related disorders. Last evaluated: 2023-08-16. Review status: criteria provided, single submitter. Criteria: ACMG Guidelines, 2015. Collection method: clinical testing. Allele origin: germline. Affected: yes. Observed: 5 variant alleles.

Labcorp Genetics (formerly Invitae), Labcorp
Classification: Pathogenic. Last evaluated: 2023-03-10. Review status: criteria provided, single submitter. Criteria: Invitae Variant Classification Sherloc (09022015). Collection method: clinical testing. Allele origin: germline.
Comment: For these reasons, this variant has been classified as Pathogenic. ClinVar contains an entry for this variant (Variation ID: 2143485). This variant has not been reported in the literature in individuals affected with ADAMTS18-related conditions. This variant is present in population databases (rs775431905, gnomAD 0.003%). This sequence change creates a premature translational stop signal (p.Arg1094*) in the ADAMTS18 gene. It is expected to result in an absent or disrupted protein product. Loss-of-function variants in ADAMTS18 are known to be pathogenic (PMID: 23818446, 24874986).

Juno Genomics, Hangzhou Juno Genomics, Inc
Classification: Likely pathogenic for Microcornea-myopic chorioretinal atrophy. Review status: criteria provided, single submitter. Criteria: ACMG Guidelines, 2015. Collection method: clinical testing. Allele origin: germline.
Comment: Null variant in a gene where loss of function (LOF) is a known mechanism of disease.;Absent from controls (or at extremely low frequency if recessive) in Genome Aggregation Database.

Literature cited by the submitters: PubMed 23818446 (cited by Labcorp Genetics (formerly Invitae), Labcorp); PubMed 24874986 (cited by Labcorp Genetics (formerly Invitae), Labcorp).